The following is an entry in ClinVar:

NM_172351.3(CD46):c.768C>A (p.Cys256Ter)

Gene: CD46 (CD46 molecule; plus strand). Cytogenetic location: 1q32.2.
Variant type: single nucleotide variant.
Coding change: c.768C>A on transcript NM_172351.3 (MANE Select); coding-DNA position 768, C replaced by A.
Protein change: p.Cys256Ter; replaces cysteine 256 with a stop codon.
Molecular consequence: nonsense.
Genome position (GRCh38, 1-based): chr1:207,767,107, C>A. VCF-style: chr1-207767107-C-A. GRCh37 (hg19) VCF-style: chr1-207940452-C-A.
Other names: c.768C>A, p.Cys256Ter (NM_002389.4, NM_153826.4, NM_172350.3 and 8 more transcripts); short protein forms C256*.
Identifiers: ClinVar variation 4291203 (VCV004291203.1).

ClinVar aggregate classification (germline): Pathogenic (1 of 4 stars; one submission).

Conditions:
Atypical hemolytic-uremic syndrome. Identifiers: Orphanet 2134, MedGen C2931788, MONDO:0016244.

Submission:

Genomenon, Inc
Classification: Pathogenic for Atypical hemolytic-uremic syndrome. Last evaluated: 2025-10-02. Review status: criteria provided, single submitter. Criteria: Genomenon Sequence Variant Interpretation Standards. Collection method: curation. Allele origin: germline. Affected: yes.
Comment: CD46 p.Cys256Ter (c.768C>A) is a nonsense variant that introduces a premature stop codon at amino acid position 256, creating a truncated protein that is predicted to undergo nonsense-mediated mRNA decay. This variant has been observed in at least one proband affected with atypical hemolytic-uremic syndrome (PMID:35619721;33238263). It is absent or not present at a significant frequency in gnomAD. In conclusion, we classify CD46 p.Cys256Ter (c.768C>A) as a pathogenic variant.

Literature cited by the submitters: PubMed 35619721; PubMed 33238263.